The following is an entry in ClinVar:

NM_000052.7(ATP7A):c.4177A>G (p.Met1393Val)

Gene: ATP7A (ATPase copper transporting alpha; plus strand). Cytogenetic location: Xq21.1.
Variant type: single nucleotide variant.
Coding change: c.4177A>G on transcript NM_000052.7 (MANE Select); coding-DNA position 4177, A replaced by G.
Protein change: p.Met1393Val; replaces methionine 1393 with valine.
Molecular consequence: missense variant. On other transcripts: non-coding transcript variant (1).
Genome position (GRCh38, 1-based): chrX:78,045,523, A>G. VCF-style: chrX-78045523-A-G. GRCh37 (hg19) VCF-style: chrX-77301020-A-G.
Other names: c.3943A>G, p.Met1315Val (NM_001282224.2); short protein forms M1315V, M1393V.
Identifiers: ClinVar variation 2571485 (VCV002571485.2), dbSNP rs2522425562, ClinGen allele CA413605846.

ClinVar aggregate classification (germline): Uncertain significance. Review status: criteria provided, single submitter (1 of 4 stars). 2 submissions from 2 submitters: Uncertain significance (1). 1 of the submissions does not count toward it. Last evaluated 2025-08-08.

Conditions:
Menkes kinky-hair syndrome (MNK). Also called: Copper transport disease; Menkes Disease; Classic Menkes Disease. Identifiers: Orphanet 565, MedGen C0022716, MONDO:0010651, OMIM 309400.

Submissions (2):

3billion
Classification: Uncertain significance for Menkes kinky-hair syndrome. Last evaluated: 2025-08-08. Review status: criteria provided, single submitter. Criteria: ACMG Guidelines, 2015. Collection method: clinical testing. Allele origin: germline. Affected: yes.
Comment: The variant is not observed in the gnomAD v4.1.0 dataset. Predicted Consequence/Location: Missense variant. The majority of the known disease-causing variants of this gene are variants expected to result in premature termination of the protein. In silico tool predictions suggest damaging effect of the variant on gene or gene product [REVEL: 0.94 (>=0.6, sensitivity 0.68 and specificity 0.92)]. The same nucleotide change resulting in the same amino acid change has been previously reported to be associated with ATP7A-related disorder (PMID: 21208200). Different missense changes at the same codon (p.Met1393Thr) have been reported to be associated with ATP7A-related disorder (PMID: 16098018). Therefore, this variant is classified as VUS according to the recommendation of ACMG/AMP guideline.

Inherited Neuropathy Consortium Ii, University Of Miami
Classification: Uncertain significance for Menkes kinky-hair syndrome. Last evaluated: 2016-01-06. Review status: no assertion criteria provided. Collection method: literature only. Allele origin: germline. Affected: yes. Not counted in ClinVar's aggregate classification.

Literature cited by the submitters: PubMed 16098018 (cited by 3billion); PubMed 21208200 (cited by 3billion); PubMed 29499166 (cited by Inherited Neuropathy Consortium Ii, University Of Miami).